The following is an entry in ClinVar:

ClinVar aggregate classification (germline): Uncertain significance (1 of 4 stars; one submission).

Submission:

Labcorp Genetics (formerly Invitae), Labcorp
Classification: Uncertain significance. Last evaluated: 2024-11-15. Review status: criteria provided, single submitter. Criteria: Invitae Variant Classification Sherloc (09022015). Collection method: clinical testing. Allele origin: germline.
Comment: This sequence change replaces lysine, which is basic and polar, with asparagine, which is neutral and polar, at codon 691 of the HK1 protein (p.Lys691Asn). This variant is not present in population databases (gnomAD no frequency). This variant has not been reported in the literature in individuals affected with HK1-related conditions. Invitae Evidence Modeling of protein sequence and biophysical properties (such as structural, functional, and spatial information, amino acid conservation, physicochemical variation, residue mobility, and thermodynamic stability) indicates that this missense variant is not expected to disrupt HK1 protein function with a negative predictive value of 80%. In summary, the available evidence is currently insufficient to determine the role of this variant in disease. Therefore, it has been classified as a Variant of Uncertain Significance.

NM_000188.3(HK1):c.2073G>T (p.Lys691Asn)

Gene: HK1 (hexokinase 1; plus strand). Cytogenetic location: 10q22.1.
Variant type: single nucleotide variant.
Coding change: c.2073G>T on transcript NM_000188.3 (MANE Select); coding-DNA position 2073, G replaced by T.
Protein change: p.Lys691Asn; replaces lysine 691 with asparagine.
Molecular consequence: missense variant.
Genome position (GRCh38, 1-based): chr10:69,392,162, G>T. VCF-style: chr10-69392162-G-T. GRCh37 (hg19) VCF-style: chr10-71151918-G-T.
Other names: c.2070G>T, p.Lys690Asn (NM_033496.3); c.2085G>T, p.Lys695Asn (NM_033497.3, NM_033498.3, NM_001322364.2 and 1 more transcripts); c.2037G>T, p.Lys679Asn (NM_033500.2); c.2178G>T, p.Lys726Asn (NM_001322365.2); c.1989G>T, p.Lys663Asn (NM_001322366.1); c.1977G>T, p.Lys659Asn (NM_001322367.1); short protein forms K726N, K659N, K663N, K679N, K695N, K690N, K691N.
Identifiers: ClinVar variation 3665170 (VCV003665170.2).